The following is an entry in ClinVar:

NM_000049.4(ASPA):c.433-2A>G

Genes: ASPA (aspartoacylase; plus strand), SPATA22 (spermatogenesis associated 22; minus strand). Cytogenetic location: 17p13.2.
Variant type: single nucleotide variant.
Coding change: c.433-2A>G on transcript NM_000049.4 (MANE Select); the canonical splice acceptor site of the intron before coding-DNA position 433, A replaced by G.
Molecular consequence: splice acceptor variant. On other transcripts: intron variant (2).
Genome position (GRCh38, 1-based): chr17:3,483,497, A>G. VCF-style: chr17-3483497-A-G. GRCh37 (hg19) VCF-style: chr17-3386791-A-G.
Other names: IVS2-2A>G; c.433-2A>G (NM_001128085.1, NM_001128085.1); c.-73-14099T>C (NM_001321336.2, NM_001321337.2).
Identifiers: ClinVar variation 40118 (VCV000040118.67), dbSNP rs63751297, ClinGen allele CA275159.

ClinVar aggregate classification (germline): Pathogenic/Likely pathogenic. Review status: criteria provided, multiple submitters, no conflicts (2 of 4 stars). 5 submissions from 5 submitters: Pathogenic (2); Likely pathogenic (2). 1 of the submissions does not count toward it. Last evaluated 2022-03-17.

Conditions:
Canavan Disease, Familial Form. Identifiers: MedGen C0751663.
Inborn genetic diseases. Identifiers: MedGen C0950123, MeSH D030342.
Spongy degeneration of central nervous system. Also called: Von Bogaert-Bertrand disease; ACY2 DEFICIENCY; AMINOACYLASE 2 DEFICIENCY; ASP DEFICIENCY; ASPA DEFICIENCY; ASPARTOACYLASE DEFICIENCY. Identifiers: Orphanet 141, MedGen C0206307, MONDO:0010079, OMIM 271900.

Submissions (5):

Women's Health and Genetics/Laboratory Corporation of America, LabCorp
Classification: Pathogenic for Canavan Disease, Familial Form. Last evaluated: 2022-03-17. Review status: criteria provided, single submitter. Criteria: LabCorp Variant Classification Summary - May 2015. Collection method: clinical testing. Allele origin: germline.
Comment: Variant summary: ASPA c.433-2A>G is located in a canonical splice-site and is predicted to affect mRNA splicing resulting in a significantly altered protein due to either exon skipping, shortening, or inclusion of intronic material. Several computational tools predict a significant impact on normal splicing: Four predict the variant abolishes canonical a 3 prime acceptor site. The variant was absent in 251412 control chromosomes (gnomAD). c.433-2A>G has been reported in an heterozygous individual who went through genetic screening for Canavan Disease (example: Kaul_1994). cDNA evaluated from this heterozygous individual confirmed the presence of wild-type and the shorter cDNA product as a result of this variant (Kaul_1994). No clinical diagnostic laboratories have submitted clinical-significance assessments for this variant to ClinVar after 2014. Based on the evidence outlined above, the variant was classified as likely pathogenic.

Labcorp Genetics (formerly Invitae), Labcorp
Classification: Likely pathogenic for Spongy degeneration of central nervous system. Last evaluated: 2022-02-09. Review status: criteria provided, single submitter. Criteria: Invitae Variant Classification Sherloc (09022015). Collection method: clinical testing. Allele origin: germline.
Comment: In summary, the currently available evidence indicates that the variant is pathogenic, but additional data are needed to prove that conclusively. Therefore, this variant has been classified as Likely Pathogenic. Algorithms developed to predict the effect of sequence changes on RNA splicing suggest that this variant may disrupt the consensus splice site. ClinVar contains an entry for this variant (Variation ID: 40118). Disruption of this splice site has been observed in individual(s) with Canavan disease (PMID: 8023850). This variant is not present in population databases (gnomAD no frequency). This sequence change affects an acceptor splice site in intron 2 of the ASPA gene. It is expected to disrupt RNA splicing. Variants that disrupt the donor or acceptor splice site typically lead to a loss of protein function (PMID: 16199547), and loss-of-function variants in ASPA are known to be pathogenic (PMID: 12638939).

Ambry Genetics
Classification: Likely pathogenic for Inborn genetic diseases. Last evaluated: 2021-02-08. Review status: criteria provided, single submitter. Criteria: Ambry Variant Classification Scheme 2023. Collection method: clinical testing. Allele origin: germline.
Comment: The c.433-2A>G intronic variant results from an A to G substitution two nucleotide(s) before coding exon 3 of the ASPA gene. Alterations that disrupt the canonical splice site are expected to cause aberrant splicing, resulting in an abnormal protein or a transcript that is subject to nonsense-mediated mRNA decay. Based on data from the Genome Aggregation Database (gnomAD), the ASPA c.433-2A>G alteration was not observed, with coverage at this position. This mutation was identified in a cohort of individuals with Canavan disease; however, specific genotype and phenotype information was limited (Kaul, 1994). Based on the available evidence, this alteration is classified as likely pathogenic.

Eurofins Ntd Llc (ga)
Classification: Pathogenic. Last evaluated: 2014-07-14. Review status: criteria provided, single submitter. Criteria: EGL Classification Definitions 2015. Collection method: clinical testing. Allele origin: germline. Observed: 1 variant allele, 1 heterozygote.

GeneReviews
No classification provided. Condition: Spongy degeneration of central nervous system. Review status: no classification provided. Collection method: literature only. Allele origin: germline. Not counted in ClinVar's aggregate classification.

Literature cited by the submitters: PubMed 8023850 (cited by 3 submitters); PubMed 16199547 (cited by Labcorp Genetics (formerly Invitae), Labcorp); PubMed 12638939 (cited by Labcorp Genetics (formerly Invitae), Labcorp).